The following is an entry in ClinVar:

ClinVar aggregate classification (germline): Uncertain significance. Review status: criteria provided, multiple submitters, no conflicts (2 of 4 stars). 2 submissions from 2 submitters: Uncertain significance (2). Last evaluated 2025-08-29.

Conditions:
Bardet-Biedl syndrome (BBS). Identifiers: Orphanet 110, MedGen C0752166, MONDO:0015229.

gnomAD v4.1: 1 of 1,614,068 alleles (0.000062%); highest among the groups gnomAD compares: Non-Finnish European, 0.000085%; no homozygotes.

Submissions (2):

Labcorp Genetics (formerly Invitae), Labcorp
Classification: Uncertain significance for Bardet-Biedl syndrome. Last evaluated: 2025-08-29. Review status: criteria provided, single submitter. Criteria: Invitae Variant Classification Sherloc (09022015). Collection method: clinical testing. Allele origin: germline.
Comment: This sequence change replaces glycine, which is neutral and non-polar, with glutamic acid, which is acidic and polar, at codon 416 of the BBS10 protein (p.Gly416Glu). This variant is present in population databases (no rsID available, gnomAD 0.0009%). This missense change has been observed in individual(s) with BBS10-related conditions (internal data). Invitae Evidence Modeling of protein sequence and biophysical properties (such as structural, functional, and spatial information, amino acid conservation, physicochemical variation, residue mobility, and thermodynamic stability) has been performed for this missense variant. However, the output from this modeling did not meet the statistical confidence thresholds required to predict the impact of this variant on BBS10 protein function. In summary, the available evidence is currently insufficient to determine the role of this variant in disease. Therefore, it has been classified as a Variant of Uncertain Significance.

Blueprint Genetics
Classification: Uncertain significance. Last evaluated: 2024-02-07. Review status: criteria provided, single submitter. Criteria: ACMG Guidelines, 2015. Collection method: clinical testing. Allele origin: germline.

NM_024685.4(BBS10):c.1247G>A (p.Gly416Glu)

Gene: BBS10 (Bardet-Biedl syndrome 10; minus strand). Cytogenetic location: 12q21.2.
Variant type: single nucleotide variant.
Coding change: c.1247G>A on transcript NM_024685.4 (MANE Select); coding-DNA position 1247, G replaced by A.
Protein change: p.Gly416Glu; replaces glycine 416 with glutamic acid.
Molecular consequence: missense variant.
Genome position (GRCh38, 1-based): chr12:76,346,738, C>T on the plus strand (G>A on the coding strand, the complement: BBS10 is on the minus strand). VCF-style: chr12-76346738-C-T. GRCh37 (hg19) VCF-style: chr12-76740518-C-T.
Other names: short protein forms G416E.
Identifiers: ClinVar variation 4694601 (VCV004694601.2).